The following is an entry in ClinVar:

NM_014844.5(TECPR2):c.951+1G>C

Gene: TECPR2 (tectonin beta-propeller repeat containing 2; plus strand). Cytogenetic location: 14q32.31.
Variant type: single nucleotide variant.
Coding change: c.951+1G>C on transcript NM_014844.5 (MANE Select); the canonical splice donor site of the intron after coding-DNA position 951, G replaced by C.
Molecular consequence: splice donor variant.
Genome position (GRCh38, 1-based): chr14:102,425,292, G>C. VCF-style: chr14-102425292-G-C. GRCh37 (hg19) VCF-style: chr14-102891629-G-C.
Other names: c.951+1G>C (NM_001172631.3).
Identifiers: ClinVar variation 2757593 (VCV002757593.3), dbSNP rs1889286788, ClinGen allele CA391049034.
Genomic context (GRCh38, chr14:102,425,292, plus strand): 5'-GAAGGCTGGGTGCTGAGTTGGAATGAATATAGTATCTATCTCCTAGACACAGTCAACCAG[G>C]TAAGTGAAGGGACGCCACCATATCTTCTGTGTCTATAGGCAAGAGAATGTATCTCTATAA-3'

ClinVar aggregate classification (germline): Likely pathogenic (1 of 4 stars; one submission).

Conditions:
Hereditary spastic paraplegia 49 (HSAN9). Also called: TECPR2-Related Hereditary Sensory and Autonomic Neuropathy with Intellectual Disability; NEUROPATHY, HEREDITARY SENSORY AND AUTONOMIC, TYPE IX, WITH DEVELOPMENTAL DELAY; Spastic paraplegia 49, autosomal recessive. Identifiers: Orphanet 320385, MedGen C5190860, MONDO:0014016, OMIM 615031.

Allele frequency attached by ClinVar (database versions not stated): TOPMed below 0.00001.

Submission:

Labcorp Genetics (formerly Invitae), Labcorp
Classification: Likely pathogenic for Hereditary spastic paraplegia 49. Last evaluated: 2023-09-03. Review status: criteria provided, single submitter. Criteria: Invitae Variant Classification Sherloc (09022015). Collection method: clinical testing. Allele origin: germline.
Comment: This variant has not been reported in the literature in individuals affected with TECPR2-related conditions. In summary, the currently available evidence indicates that the variant is pathogenic, but additional data are needed to prove that conclusively. Therefore, this variant has been classified as Likely Pathogenic. Algorithms developed to predict the effect of sequence changes on RNA splicing suggest that this variant may disrupt the consensus splice site. This variant is not present in population databases (gnomAD no frequency). This sequence change affects a donor splice site in intron 6 of the TECPR2 gene. It is expected to disrupt RNA splicing. Variants that disrupt the donor or acceptor splice site typically lead to a loss of protein function (PMID: 16199547), and loss-of-function variants in TECPR2 are known to be pathogenic (PMID: 23176824, 25590979).

Literature cited by the submitters: PubMed 16199547; PubMed 23176824; PubMed 25590979.